The following is an entry in ClinVar:

ClinVar aggregate classification (germline): Uncertain significance (1 of 4 stars; one submission).

gnomAD v4.1: 4 of 1,612,846 alleles (0.00025%); highest among the groups gnomAD compares: Non-Finnish European, 0.00034%; no homozygotes.

Submission:

Labcorp Genetics (formerly Invitae), Labcorp
Classification: Uncertain significance. Last evaluated: 2025-08-09. Review status: criteria provided, single submitter. Criteria: Invitae Variant Classification Sherloc (09022015). Collection method: clinical testing. Allele origin: germline.
Comment: This sequence change replaces proline, which is neutral and non-polar, with serine, which is neutral and polar, at codon 480 of the ITGAM protein (p.Pro480Ser). This variant is not present in population databases (gnomAD no frequency). This variant has not been reported in the literature in individuals affected with ITGAM-related conditions. An algorithm developed to predict the effect of missense changes on protein structure and function (PolyPhen-2) suggests that this variant is likely to be disruptive. In summary, the available evidence is currently insufficient to determine the role of this variant in disease. Therefore, it has been classified as a Variant of Uncertain Significance.

NM_000632.4(ITGAM):c.1438C>T (p.Pro480Ser)

Gene: ITGAM (integrin subunit alpha M; plus strand). Cytogenetic location: 16p11.2.
Variant type: single nucleotide variant.
Coding change: c.1438C>T on transcript NM_000632.4 (MANE Select); coding-DNA position 1438, C replaced by T.
Protein change: p.Pro480Ser; replaces proline 480 with serine.
Molecular consequence: missense variant.
Genome position (GRCh38, 1-based): chr16:31,297,595, C>T. VCF-style: chr16-31297595-C-T. GRCh37 (hg19) VCF-style: chr16-31308916-C-T.
Other names: c.1438C>T, p.Pro480Ser (NM_001145808.2); short protein forms P480S.
Identifiers: ClinVar variation 4773961 (VCV004773961.1).